The following is an entry in ClinVar:

ClinVar aggregate classification (germline): Uncertain significance. Review status: criteria provided, multiple submitters, no conflicts (2 of 4 stars). 3 submissions from 3 submitters: Uncertain significance (3). Last evaluated 2023-11-26.

Conditions:
Colorectal cancer, susceptibility to, 1. Also called: COLORECTAL ADENOMA AND CANCER, SUSCEPTIBILITY TO; COLORECTAL CANCER, SUSCEPTIBILITY TO, ON CHROMOSOME 9. Identifiers: MedGen C1837315, MONDO:0012132, OMIM 608812.

Submissions (3):

Baylor Genetics
Classification: Uncertain significance for Colorectal cancer, susceptibility to, 1. Last evaluated: 2023-11-26. Review status: criteria provided, single submitter. Criteria: ACMG Guidelines, 2015. Collection method: clinical testing. Allele origin: unknown.

Ambry Genetics
Classification: Uncertain significance. Last evaluated: 2023-11-15. Review status: criteria provided, single submitter. Criteria: Ambry Variant Classification Scheme 2023. Collection method: clinical testing. Allele origin: germline.
Comment: The p.R38W variant (also known as c.112C>T), located in coding exon 1 of the GALNT12 gene, results from a C to T substitution at nucleotide position 112. The arginine at codon 38 is replaced by tryptophan, an amino acid with dissimilar properties. This amino acid position is well conserved in available vertebrate species. In addition, this alteration is predicted to be tolerated by in silico analysis. Since supporting evidence is limited at this time, the clinical significance of this alteration remains unclear.

Labcorp Genetics (formerly Invitae), Labcorp
Classification: Uncertain significance. Last evaluated: 2021-08-19. Review status: criteria provided, single submitter. Criteria: Invitae Variant Classification Sherloc (09022015). Collection method: clinical testing. Allele origin: germline.
Comment: In summary, the available evidence is currently insufficient to determine the role of this variant in disease. Therefore, it has been classified as a Variant of Uncertain Significance. Algorithms developed to predict the effect of missense changes on protein structure and function are either unavailable or do not agree on the potential impact of this missense change (SIFT: "Deleterious"; PolyPhen-2: "Not Available"; Align-GVGD: "Class C0"). This variant has not been reported in the literature in individuals affected with GALNT12-related conditions. The frequency data for this variant in the population databases is considered unreliable, as metrics indicate insufficient coverage at this position in the ExAC database. This sequence change replaces arginine with tryptophan at codon 38 of the GALNT12 protein (p.Arg38Trp). The arginine residue is weakly conserved and there is a moderate physicochemical difference between arginine and tryptophan.

NM_024642.5(GALNT12):c.112C>T (p.Arg38Trp)

Genes: GALNT12 (polypeptide N-acetylgalactosaminyltransferase 12; plus strand), LOC130002222 (ATAC-STARR-seq lymphoblastoid silent region 20123; plus strand). Cytogenetic location: 9q22.33.
Variant type: single nucleotide variant.
Coding change: c.112C>T on transcript NM_024642.5 (MANE Select); coding-DNA position 112, C replaced by T.
Protein change: p.Arg38Trp; replaces arginine 38 with tryptophan.
Molecular consequence: missense variant.
Genome position (GRCh38, 1-based): chr9:98,807,810, C>T. VCF-style: chr9-98807810-C-T. GRCh37 (hg19) VCF-style: chr9-101570092-C-T.
Other names: short protein forms R38W.
Identifiers: ClinVar variation 1442088 (VCV001442088.9), dbSNP rs1164208180, ClinGen allele CA374222299.